The following is an entry in ClinVar:

ClinVar aggregate classification (germline): Uncertain significance (1 of 4 stars; one submission).

Conditions:
VPS13B-related disorder. Also called: VPS13B-related condition.

gnomAD v4.1: 1 of 1,613,486 alleles (0.000062%); highest among the groups gnomAD compares: Non-Finnish European, 0.000085%; no homozygotes.

Submission:

PreventionGenetics, part of Exact Sciences
Classification: Uncertain significance for VPS13B-related condition. Last evaluated: 2026-06-22. Review status: criteria provided, single submitter. Criteria: ACMG Guidelines, 2015. Collection method: clinical testing. Allele origin: germline.
Comment: The VPS13B c.3463A>T variant is predicted to result in the amino acid substitution p.Thr1155Ser. To our knowledge, this variant has not been reported in the literature or in a large population database (gnomAD), indicating this variant is rare. At this time, the clinical significance of this variant is uncertain due to the absence of conclusive functional and genetic evidence.

NM_152564.5(VPS13B):c.3463A>T (p.Thr1155Ser)

Gene: VPS13B (vacuolar protein sorting 13 homolog B; plus strand). Cytogenetic location: 8q22.2.
Variant type: single nucleotide variant.
Coding change: c.3463A>T on transcript NM_152564.5 (MANE Select); coding-DNA position 3463, A replaced by T.
Protein change: p.Thr1155Ser; replaces threonine 1155 with serine.
Molecular consequence: missense variant.
Genome position (GRCh38, 1-based): chr8:99,467,431, A>T. VCF-style: chr8-99467431-A-T. GRCh37 (hg19) VCF-style: chr8-100479659-A-T.
Other names: c.3463A>T, p.Thr1155Ser (NM_017890.5); short protein forms T1155S.
Identifiers: ClinVar variation 4991396 (VCV004991396.1).